The following is an entry in ClinVar:

NM_000264.5(PTCH1):c.1828A>G (p.Ile610Val)

Genes: PTCH1 (patched 1; minus strand), LOC100507346 (uncharacterized LOC100507346; plus strand). Cytogenetic location: 9q22.32.
Variant type: single nucleotide variant.
Coding change: c.1828A>G on transcript NM_000264.5 (MANE Select); coding-DNA position 1828, A replaced by G.
Protein change: p.Ile610Val; replaces isoleucine 610 with valine.
Molecular consequence: missense variant. On other transcripts: non-coding transcript variant (2).
Genome position (GRCh38, 1-based): chr9:95,469,832, T>C on the plus strand (A>G on the coding strand, the complement: PTCH1 is on the minus strand). VCF-style: chr9-95469832-T-C. GRCh37 (hg19) VCF-style: chr9-98232114-T-C.
Other names: c.1630A>G, p.Ile544Val (NM_001083602.3); c.1825A>G, p.Ile609Val (NM_001083603.3); c.1375A>G, p.Ile459Val (NM_001083604.3, NM_001083605.3, NM_001083606.3 and 1 more transcripts); c.1672A>G, p.Ile558Val (NM_001354918.2); short protein forms I558V, I609V, I610V, I459V, I544V.
Identifiers: ClinVar variation 820153 (VCV000820153.9), dbSNP rs1588578266, ClinGen allele CA374116258.

ClinVar aggregate classification (germline): Uncertain significance. Review status: criteria provided, multiple submitters, no conflicts (2 of 4 stars). 2 submissions from 2 submitters: Uncertain significance (2). Last evaluated 2022-05-13.

Conditions:
Gorlin syndrome. Also called: Nevoid Basal Cell Carcinoma Syndrome; Basal cell nevus syndrome. Identifiers: Orphanet 377, MedGen C0004779, MONDO:0007187.
Hereditary cancer-predisposing syndrome. Also called: Hereditary Cancer Syndrome; Neoplastic Syndromes, Hereditary; Hereditary neoplastic syndrome; Tumor predisposition. Identifiers: Orphanet 140162, MedGen C0027672, MeSH D009386, MONDO:0015356.

Submissions (2):

Labcorp Genetics (formerly Invitae), Labcorp
Classification: Uncertain significance for Gorlin syndrome. Last evaluated: 2022-05-13. Review status: criteria provided, single submitter. Criteria: Invitae Variant Classification Sherloc (09022015). Collection method: clinical testing. Allele origin: germline.
Comment: ClinVar contains an entry for this variant (Variation ID: 820153). In summary, the available evidence is currently insufficient to determine the role of this variant in disease. Therefore, it has been classified as a Variant of Uncertain Significance. Advanced modeling of protein sequence and biophysical properties (such as structural, functional, and spatial information, amino acid conservation, physicochemical variation, residue mobility, and thermodynamic stability) performed at Invitae indicates that this missense variant is not expected to disrupt PTCH1 protein function. This variant has not been reported in the literature in individuals affected with PTCH1-related conditions. This variant is not present in population databases (gnomAD no frequency). This sequence change replaces isoleucine, which is neutral and non-polar, with valine, which is neutral and non-polar, at codon 610 of the PTCH1 protein (p.Ile610Val).

Ambry Genetics
Classification: Uncertain significance for Hereditary cancer-predisposing syndrome. Last evaluated: 2019-09-30. Review status: criteria provided, single submitter. Criteria: Ambry Variant Classification Scheme 2023. Collection method: clinical testing. Allele origin: germline.
Comment: The p.I610V variant (also known as c.1828A>G), located in coding exon 13 of the PTCH1 gene, results from an A to G substitution at nucleotide position 1828. The isoleucine at codon 610 is replaced by valine, an amino acid with highly similar properties. This amino acid position is highly conserved in available vertebrate species. In addition, the in silico prediction for this alteration is inconclusive. Since supporting evidence is limited at this time, the clinical significance of this alteration remains unclear.